The following is an entry in ClinVar:

ClinVar aggregate classification (germline): Uncertain significance. Review status: criteria provided, multiple submitters, no conflicts (2 of 4 stars). 2 submissions from 2 submitters: Uncertain significance (2). Last evaluated 2025-12-10.

Conditions:
COL4A4-related disorder.

gnomAD v4.1: 3 of 1,613,542 alleles (0.00019%); highest among the groups gnomAD compares: South Asian, 0.0022%; no homozygotes.

Submissions (2):

PreventionGenetics, part of Exact Sciences
Classification: Uncertain significance for COL4A4-related condition. Last evaluated: 2025-12-10. Review status: criteria provided, single submitter. Criteria: ACMG Guidelines, 2015. Collection method: clinical testing. Allele origin: germline.
Comment: The COL4A4 c.1426C>A variant is predicted to result in the amino acid substitution p.Pro476Thr. To our knowledge, this variant has not been reported in the literature. This variant is reported in 0.0033% of alleles in individuals of South Asian descent in gnomAD. At this time, the clinical significance of this variant is uncertain due to the absence of conclusive functional and genetic evidence.

Labcorp Genetics (formerly Invitae), Labcorp
Classification: Uncertain significance. Last evaluated: 2021-08-27. Review status: criteria provided, single submitter. Criteria: Invitae Variant Classification Sherloc (09022015). Collection method: clinical testing. Allele origin: germline.
Comment: This sequence change replaces proline with threonine at codon 476 of the COL4A4 protein (p.Pro476Thr). The proline residue is moderately conserved and there is a small physicochemical difference between proline and threonine. This variant is present in population databases (rs780544830, ExAC 0.006%). This variant has not been reported in the literature in individuals affected with COL4A4-related conditions. Advanced modeling of protein sequence and biophysical properties (such as structural, functional, and spatial information, amino acid conservation, physicochemical variation, residue mobility, and thermodynamic stability) performed at Invitae indicates that this missense variant is not expected to disrupt COL4A4 protein function. In summary, the available evidence is currently insufficient to determine the role of this variant in disease. Therefore, it has been classified as a Variant of Uncertain Significance.

NM_000092.5(COL4A4):c.1426C>A (p.Pro476Thr)

Gene: COL4A4 (collagen type IV alpha 4 chain; minus strand). Cytogenetic location: 2q36.3.
Variant type: single nucleotide variant.
Coding change: c.1426C>A on transcript NM_000092.5 (MANE Select); coding-DNA position 1426, C replaced by A.
Protein change: p.Pro476Thr; replaces proline 476 with threonine.
Molecular consequence: missense variant.
Genome position (GRCh38, 1-based): chr2:227,089,901, G>T on the plus strand (C>A on the coding strand, the complement: COL4A4 is on the minus strand). VCF-style: chr2-227089901-G-T. GRCh37 (hg19) VCF-style: chr2-227954617-G-T.
Other names: c.1426C>A (NM_000092.4); short protein forms P476T.
Identifiers: ClinVar variation 1471569 (VCV001471569.6), dbSNP rs780544830, ClinGen allele CA2145171.
Genomic context (GRCh38, chr2:227,089,901, plus strand): 5'-GAAATTCTACCTTTGGTGCCTACTTGCCTTTTTCTCCTTTTGGGCCTCTTCCTCCTGGGG[G>T]ACCAACTTTGCCTTTTATTCCTTGTGGTCCGGGGTTCCCAACACTACAGTATATCACTGT-3'
Protein context (NP_000083.3, residues 466-486): GPQGIKGKVG[Pro476Thr]PGGRGPKGEK